The following is an entry in ClinVar:

ClinVar aggregate classification (germline): Uncertain significance (1 of 4 stars; one submission).

Conditions:
Ataxia - intellectual disability - oculomotor apraxia - cerebellar cysts syndrome. Also called: Poretti-Boltshauser syndrome. Identifiers: Orphanet 370022, MedGen C4014821, MONDO:0014419, OMIM 615960.

gnomAD v4.1: 2 of 1,613,886 alleles (0.00012%); highest among the groups gnomAD compares: Non-Finnish European, 0.00017%; no homozygotes.

Submission:

Clinical Genetics Laboratory, Skane University Hospital Lund
Classification: Uncertain significance for Ataxia - intellectual disability - oculomotor apraxia - cerebellar cysts syndrome. Last evaluated: 2025-11-26. Review status: criteria provided, single submitter. Criteria: ACMG Guidelines, 2015. Collection method: clinical testing. Allele origin: germline. Affected: yes.
Comment: ACMG criteria applied: PVS1_moderate, PM2 and PM3_supporting,

NM_005559.4(LAMA1):c.3364-1G>A

Gene: LAMA1 (laminin subunit alpha 1; minus strand). Cytogenetic location: 18p11.31.
Variant type: single nucleotide variant.
Coding change: c.3364-1G>A on transcript NM_005559.4 (MANE Select); the canonical splice acceptor site of the intron before coding-DNA position 3364, G replaced by A.
Molecular consequence: splice acceptor variant.
Genome position (GRCh38, 1-based): chr18:7,012,139, C>T on the plus strand (G>A on the coding strand, the complement: LAMA1 is on the minus strand). VCF-style: chr18-7012139-C-T. GRCh37 (hg19) VCF-style: chr18-7012138-C-T.
Identifiers: ClinVar variation 4531180 (VCV004531180.1).
Genomic context (GRCh38, chr18:7,012,139, plus strand): 5'-TGCGCGGAGAGCGAAGGTGCCCTCTCGACATTCGTTGCACTGAGGACCAAAGACATTTTC[C>T]TACAGGGGAGCAAATAAAGGACTCGTTTTTGCCTAAAAAAGAGATGTGATTTCTGAACAA-3'